The following is an entry in ClinVar:

NM_001165963.4(SCN1A):c.265-2137C>T

Gene: SCN1A (sodium voltage-gated channel alpha subunit 1; minus strand). Cytogenetic location: 2q24.3.
Variant type: single nucleotide variant.
Coding change: c.265-2137C>T on transcript NM_001165963.4 (MANE Select); 2137 bases into the intron before coding-DNA position 265, C replaced by T.
Molecular consequence: intron variant.
Genome position (GRCh38, 1-based): chr2:166,060,825, G>A on the plus strand (C>T on the coding strand, the complement: SCN1A is on the minus strand). VCF-style: chr2-166060825-G-A. GRCh37 (hg19) VCF-style: chr2-166917335-G-A.
Other names: c.265-2137C>T (NM_001353949.2, NM_001353958.2, NM_001353950.2 and 10 more transcripts); c.-2161-2137C>T (NM_001353961.2).
Identifiers: ClinVar variation 2651504 (VCV002651504.24), dbSNP rs563487577, ClinGen allele CA59804918.
Genomic context (GRCh38, chr2:166,060,825, plus strand): 5'-GGCAGGAGAACAGGAGAATCGCTTGAACCCAGGAGGCGGAGGTTGCAGTGAGCCAAGATC[G>A]CGCCACTGCACTCCAGCCTGGGTGATGAGAGCAAAACTCCATCTGAAAAAAAGAAAAAGA-3'

ClinVar aggregate classification (germline): Likely benign (1 of 4 stars; one submission).

Allele frequency attached by ClinVar (database versions not stated): gnomAD 0.00048; TOPMed 0.00077; 1000 Genomes Project 30x 0.00141; 1000 Genomes Project 0.00180.

Submission:

CeGaT Center for Human Genetics Tuebingen
Classification: Likely benign. Last evaluated: 2026-06-01. Review status: criteria provided, single submitter. Criteria: CeGaT Center For Human Genetics Tuebingen Variant Classification Criteria Version 2. Collection method: clinical testing. Allele origin: germline. Affected: yes. Observed: 2 variant alleles.
Comment: SCN1A: BS1